The following is an entry in ClinVar:

ClinVar aggregate classification (germline): Likely benign (0 of 4 stars; one submission).

Conditions:
DYNC1H1-related disorder. Also called: DYNC1H1-related disorders; DYNC1H1-related condition. Identifiers: MedGen CN381529.

Allele frequency attached by ClinVar (database versions not stated): gnomAD 0.00003; gnomAD exomes 0.00003; TOPMed 0.00005; ExAC 0.00011; ESP Exome Variant Server 0.00015.
gnomAD v4.1: 56 of 1,613,808 alleles (0.0035%); highest among the groups gnomAD compares: Admixed American, 0.015%; no homozygotes.

Submission:

PreventionGenetics, part of Exact Sciences
Classification: Likely benign for DYNC1H1-related condition. Last evaluated: 2022-07-26. Review status: no assertion criteria provided. Collection method: clinical testing. Allele origin: germline.
Comment: This variant is classified as likely benign based on ACMG/AMP sequence variant interpretation guidelines (Richards et al. 2015 PMID: 25741868, with internal and published modifications).

NM_001376.5(DYNC1H1):c.4185+21G>A

Gene: DYNC1H1 (dynein cytoplasmic 1 heavy chain 1; plus strand). Cytogenetic location: 14q32.31.
Variant type: single nucleotide variant.
Coding change: c.4185+21G>A on transcript NM_001376.5 (MANE Select); 21 bases into the intron after coding-DNA position 4185, G replaced by A.
Molecular consequence: intron variant.
Genome position (GRCh38, 1-based): chr14:102,001,085, G>A. VCF-style: chr14-102001085-G-A. GRCh37 (hg19) VCF-style: chr14-102467422-G-A.
Identifiers: ClinVar variation 3032790 (VCV003032790.2), dbSNP rs374433034, ClinGen allele CA7352187.
Genomic context (GRCh38, chr14:102,001,085, plus strand): 5'-CTATGAGTTTGTTCAGAGGCTTCTGAAAGGTTACATGAAGGTAGGTGGCCAGTATCGCAC[G>A]GTGATGAGTGTCCATTAGAAACGCACCTGCACAGATCACTTTGTTTACTTTCTCCACAGA-3'